The following is an entry in ClinVar:

NM_001042492.3(NF1):c.4384C>T (p.Arg1462Trp)

Gene: NF1 (neurofibromin 1; plus strand). Cytogenetic location: 17q11.2.
Variant type: single nucleotide variant.
Coding change: c.4384C>T on transcript NM_001042492.3 (MANE Select); coding-DNA position 4384, C replaced by T.
Protein change: p.Arg1462Trp; replaces arginine 1462 with tryptophan.
Molecular consequence: missense variant.
Genome position (GRCh38, 1-based): chr17:31,259,083, C>T. VCF-style: chr17-31259083-C-T. GRCh37 (hg19) VCF-style: chr17-29586101-C-T.
Other names: c.4321C>T, p.Arg1441Trp (NM_000267.4); short protein forms R1441W, R1462W.
Identifiers: ClinVar variation 404427 (VCV000404427.17), dbSNP rs876658127, ClinGen allele CA16615639.
Genomic context (GRCh38, chr17:31,259,083, plus strand): 5'-ATTGTGTAGATACTTCAGAGTATTGCCAATCATGTTCTCTTCACAAAAGAAGAACATATG[C>T]GGCCTTTCAATGATTTTGTGAAAAGCAACTTTGATGCAGCACGCAGGTAATTTTCTTGCC-3'
Protein context (NP_001035957.1, residues 1452-1472): HVLFTKEEHM[Arg1462Trp]PFNDFVKSNF

ClinVar aggregate classification (germline): Conflicting classifications of pathogenicity. Review status: criteria provided, conflicting classifications (1 of 4 stars). 5 submissions from 5 submitters: Uncertain significance (4); Likely benign (1). Last evaluated 2025-12-09.

Conditions:
Neurofibromatosis, type 1 (NF1). Also called: NEUROFIBROMATOSIS, TYPE I, SOMATIC; Peripheral type neurofibromatosis; Neurofibromatosis, type I; VON RECKLINGHAUSEN DISEASE. Identifiers: Orphanet 636, MedGen C0027831, MONDO:0018975, OMIM 162200. Disease mechanism: loss of function.
Hereditary cancer-predisposing syndrome. Also called: Hereditary neoplastic syndrome; Tumor predisposition; Hereditary Cancer Syndrome; Neoplastic Syndromes, Hereditary. Identifiers: Orphanet 140162, MedGen C0027672, MeSH D009386, MONDO:0015356.
Cardiovascular phenotype. Identifiers: MedGen CN230736.

Allele frequency attached by ClinVar (database versions not stated): TOPMed below 0.00001; gnomAD 0.00001.
gnomAD v4.1: 7 of 1,604,350 alleles (0.00044%); highest among the groups gnomAD compares: South Asian, 0.0011%; no homozygotes.

Submissions (5):

Greenwood Genetic Center Diagnostic Laboratories, Greenwood Genetic Center
Classification: Uncertain significance. Last evaluated: 2025-12-09. Review status: criteria provided, single submitter. Criteria: ACMG Guidelines, 2015. Collection method: clinical testing. Allele origin: germline. Affected: yes.
Comment: PM1, PP2, PP3

Labcorp Genetics (formerly Invitae), Labcorp
Classification: Likely benign for Neurofibromatosis, type 1. Last evaluated: 2025-06-16. Review status: criteria provided, single submitter. Criteria: Invitae Variant Classification Sherloc (09022015). Collection method: clinical testing. Allele origin: germline.

Ambry Genetics
Classification: Uncertain significance for Cardiovascular phenotype; Hereditary cancer-predisposing syndrome. Last evaluated: 2025-03-25. Review status: criteria provided, single submitter. Criteria: Ambry Variant Classification Scheme 2023. Collection method: clinical testing. Allele origin: germline.
Comment: The p.R1441W variant (also known as c.4321C>T), located in coding exon 32 of the NF1 gene, results from a C to T substitution at nucleotide position 4321. The arginine at codon 1441 is replaced by tryptophan, an amino acid with dissimilar properties. This amino acid position is highly conserved in available vertebrate species. In addition, this alteration is predicted to be deleterious by in silico analysis. Since supporting evidence is limited at this time, the clinical significance of this alteration remains unclear.

GeneDx
Classification: Uncertain significance. Last evaluated: 2024-10-29. Review status: criteria provided, single submitter. Criteria: GeneDx Variant Classification Process June 2021. Collection method: clinical testing. Allele origin: germline.
Comment: In silico analysis supports that this missense variant has a deleterious effect on protein structure/function; Has not been previously published as pathogenic or benign to our knowledge; This variant is associated with the following publications: (PMID: 25486365, 22807134)

Genome-Nilou Lab
Classification: Uncertain significance for Neurofibromatosis, type 1. Last evaluated: 2022-03-15. Review status: criteria provided, single submitter. Criteria: ACMG Guidelines, 2015. Collection method: clinical testing. Allele origin: germline. Affected: no.